The following is an entry in ClinVar:

NM_013382.7(POMT2):c.690C>G (p.Ser230Arg)

Genes: POMT2 (protein O-mannosyltransferase 2; minus strand), LOC130056175 (ATAC-STARR-seq lymphoblastoid silent region 5968; plus strand). Cytogenetic location: 14q24.3.
Variant type: single nucleotide variant.
Coding change: c.690C>G on transcript NM_013382.7 (MANE Select); coding-DNA position 690, C replaced by G.
Protein change: p.Ser230Arg; replaces serine 230 with arginine.
Molecular consequence: missense variant.
Genome position (GRCh38, 1-based): chr14:77,301,216, G>C on the plus strand (C>G on the coding strand, the complement: POMT2 is on the minus strand). VCF-style: chr14-77301216-G-C. GRCh37 (hg19) VCF-style: chr14-77767559-G-C.
Other names: short protein forms S230R.
Identifiers: ClinVar variation 2196212 (VCV002196212.1), dbSNP rs895876912, ClinGen allele CA390520334.

ClinVar aggregate classification (germline): Uncertain significance (1 of 4 stars; one submission).

Conditions:
Muscular dystrophy-dystroglycanopathy (congenital with impaired intellectual development), type B, 2. Also called: Muscular dystrophy-dystroglycanopathy (congenital with intellectual disability), type B2; MUSCULAR DYSTROPHY, CONGENITAL, POMT2-RELATED. Identifiers: MedGen C3150416, MONDO:0013160, OMIM 613156.
Autosomal recessive limb-girdle muscular dystrophy type 2N. Also called: MUSCULAR DYSTROPHY-DYSTROGLYCANOPATHY, LIMB-GIRDLE, POMT2-RELATED; Muscular dystrophy-dystroglycanopathy (limb-girdle), type C, 2. Identifiers: Orphanet 206559, MedGen C3150418, MONDO:0013162, OMIM 613158.
Muscular dystrophy-dystroglycanopathy (congenital with brain and eye anomalies), type A2. Also called: MUSCULAR DYSTROPHY-DYSTROGLYCANOPATHY (CONGENITAL WITH BRAIN AND EYE ANOMALIES), TYPE A, 2; WALKER-WARBURG SYNDROME OR MUSCLE-EYE-BRAIN DISEASE, POMT2-RELATED. Identifiers: Orphanet 588, Orphanet 899, MedGen C3150411, MONDO:0013154, OMIM 613150.

Allele frequency attached by ClinVar (database versions not stated): TOPMed below 0.00001.
gnomAD v4.1: 4 of 1,614,090 alleles (0.00025%); highest among the groups gnomAD compares: African/African-American, 0.0013%; no homozygotes.

Submission:

Labcorp Genetics (formerly Invitae), Labcorp
Classification: Uncertain significance for Muscular dystrophy-dystroglycanopathy (congenital with impaired intellectual development), type B, 2; Muscular dystrophy-dystroglycanopathy (congenital with brain and eye anomalies), type A2; Autosomal recessive limb-girdle muscular dystrophy type 2N. Last evaluated: 2021-12-24. Review status: criteria provided, single submitter. Criteria: Invitae Variant Classification Sherloc (09022015). Collection method: clinical testing. Allele origin: germline.
Comment: This sequence change replaces serine, which is neutral and polar, with arginine, which is basic and polar, at codon 230 of the POMT2 protein (p.Ser230Arg). This variant is not present in population databases (gnomAD no frequency). This variant has not been reported in the literature in individuals affected with POMT2-related conditions. Algorithms developed to predict the effect of missense changes on protein structure and function are either unavailable or do not agree on the potential impact of this missense change (SIFT: "Tolerated"; PolyPhen-2: "Possibly Damaging"; Align-GVGD: "Class C0"). In summary, the available evidence is currently insufficient to determine the role of this variant in disease. Therefore, it has been classified as a Variant of Uncertain Significance.